The following is an entry in ClinVar:

ClinVar aggregate classification (germline): Uncertain significance. Review status: criteria provided, multiple submitters, no conflicts (2 of 4 stars). 2 submissions from 2 submitters: Uncertain significance (2). Last evaluated 2025-01-29.

Conditions:
Spermatogenic failure 18. Identifiers: MedGen C4539783, MONDO:0054615, OMIM 617576.
Ciliary dyskinesia, primary, 37 (CILD37). Also called: CILIARY DYSKINESIA, PRIMARY, 37, WITH OR WITHOUT SITUS INVERSUS. Identifiers: MedGen C4539798, MONDO:0033204, OMIM 617577.
DNAH1-related disorder. Also called: DNAH1-related condition.

Allele frequency attached by ClinVar (database versions not stated): gnomAD 0.00005.
gnomAD v4.1: 98 of 1,613,884 alleles (0.0061%); highest among the groups gnomAD compares: Non-Finnish European, 0.0081%; no homozygotes.

Submissions (2):

Labcorp Genetics (formerly Invitae), Labcorp
Classification: Uncertain significance for Ciliary dyskinesia, primary, 37; Spermatogenic failure 18. Last evaluated: 2025-01-29. Review status: criteria provided, single submitter. Criteria: Invitae Variant Classification Sherloc (09022015). Collection method: clinical testing. Allele origin: germline.
Comment: This sequence change replaces proline, which is neutral and non-polar, with alanine, which is neutral and non-polar, at codon 2105 of the DNAH1 protein (p.Pro2105Ala). This variant is present in population databases (rs780811972, gnomAD 0.01%). This missense change has been observed in individual(s) with primary ciliary dyskinesia (PMID: 31213628). ClinVar contains an entry for this variant (Variation ID: 2634550). Invitae Evidence Modeling of protein sequence and biophysical properties (such as structural, functional, and spatial information, amino acid conservation, physicochemical variation, residue mobility, and thermodynamic stability) indicates that this missense variant is not expected to disrupt DNAH1 protein function with a negative predictive value of 80%. In summary, the available evidence is currently insufficient to determine the role of this variant in disease. Therefore, it has been classified as a Variant of Uncertain Significance.

PreventionGenetics, part of Exact Sciences
Classification: Uncertain significance for DNAH1-related condition. Last evaluated: 2023-03-11. Review status: criteria provided, single submitter. Criteria: ACMG Guidelines, 2015. Collection method: clinical testing. Allele origin: germline.
Comment: The DNAH1 c.6313C>G variant is predicted to result in the amino acid substitution p.Pro2105Ala. This variant was reported in an individual with primary ciliary dyskinesia; however, a second variant in DNAH1 was not detected (Table S4, Olm et al. 2019. PubMed ID: 31213628). This variant is reported in 0.013% of alleles in individuals of European (Non-Finnish) descent in gnomAD. At this time, the clinical significance of this variant is uncertain due to the absence of conclusive functional and genetic evidence.

Literature cited by the submitters: PubMed 31213628 (cited by Labcorp Genetics (formerly Invitae), Labcorp).

NM_015512.5(DNAH1):c.6313C>G (p.Pro2105Ala)

Gene: DNAH1 (dynein axonemal heavy chain 1; plus strand). Cytogenetic location: 3p21.1.
Variant type: single nucleotide variant.
Coding change: c.6313C>G on transcript NM_015512.5 (MANE Select); coding-DNA position 6313, C replaced by G.
Protein change: p.Pro2105Ala; replaces proline 2105 with alanine.
Molecular consequence: missense variant.
Genome position (GRCh38, 1-based): chr3:52,370,531, C>G. VCF-style: chr3-52370531-C-G. GRCh37 (hg19) VCF-style: chr3-52404547-C-G.
Other names: short protein forms P2105A.
Identifiers: ClinVar variation 2634550 (VCV002634550.2), dbSNP rs780811972, ClinGen allele CA2434488.